The following is an entry in ClinVar:

NM_000552.5(VWF):c.7131G>C (p.Pro2377=)

Gene: VWF (von Willebrand factor; minus strand). Cytogenetic location: 12p13.31.
Variant type: single nucleotide variant.
Coding change: c.7131G>C on transcript NM_000552.5 (MANE Select); coding-DNA position 7131, G replaced by C.
Protein change: p.Pro2377=; no amino-acid change (proline 2377 retained).
Molecular consequence: synonymous variant.
Genome position (GRCh38, 1-based): chr12:5,981,942, C>G on the plus strand (G>C on the coding strand, the complement: VWF is on the minus strand). VCF-style: chr12-5981942-C-G. GRCh37 (hg19) VCF-style: chr12-6091108-C-G.
Identifiers: ClinVar variation 3037701 (VCV003037701.3), dbSNP rs745348661, ClinGen allele CA478103034.

ClinVar aggregate classification (germline): Likely benign. Review status: criteria provided, single submitter (1 of 4 stars). 2 submissions from 2 submitters: Likely benign (1). 1 of the submissions does not count toward it. Last evaluated 2024-11-13.

Conditions:
VWF-related disorder. Also called: VWF-related disorders; VWF-related condition.

Submissions (2):

Blueprint Genetics
Classification: Likely benign. Last evaluated: 2024-11-13. Review status: criteria provided, single submitter. Criteria: ACMG Guidelines, 2015. Collection method: clinical testing. Allele origin: germline.

PreventionGenetics, part of Exact Sciences
Classification: Likely benign for VWF-related condition. Last evaluated: 2023-04-08. Review status: no assertion criteria provided. Collection method: clinical testing. Allele origin: germline. Not counted in ClinVar's aggregate classification.
Comment: This variant is classified as likely benign based on ACMG/AMP sequence variant interpretation guidelines (Richards et al. 2015 PMID: 25741868, with internal and published modifications).